The following is an entry in ClinVar:

NM_001267550.2(TTN):c.17129G>A (p.Arg5710Gln)

Genes: TTN (titin; minus strand), LOC126806431 (CDK7 strongly-dependent group 2 enhancer GRCh37_chr2:179595719-179596918; plus strand). Cytogenetic location: 2q31.2.
Variant type: single nucleotide variant.
Coding change: c.17129G>A on transcript NM_001267550.2 (MANE Select); coding-DNA position 17129, G replaced by A.
Protein change: p.Arg5710Gln; replaces arginine 5710 with glutamine.
Molecular consequence: missense variant. On other transcripts: intron variant (3).
Genome position (GRCh38, 1-based): chr2:178,731,746, C>T on the plus strand (G>A on the coding strand, the complement: TTN is on the minus strand). VCF-style: chr2-178731746-C-T. GRCh37 (hg19) VCF-style: chr2-179596473-C-T.
Other names: c.16178G>A, p.Arg5393Gln (NM_001256850.1); c.13397G>A, p.Arg4466Gln (NM_133378.4); c.13282+6336G>A (NM_003319.4); c.13858+6336G>A (NM_133437.4); c.13657+6336G>A (NM_133432.3); short protein forms R5710Q, R5393Q, R4466Q.
Identifiers: ClinVar variation 466847 (VCV000466847.16), dbSNP rs200018866, ClinGen allele CA2001910.
Genomic context (GRCh38, chr2:178,731,746, plus strand): 5'-CACTAACCTCTTAAAGTCACCCTGGCACTGCAGATGCTGCTGCCCACCTCATTGGTCACC[C>T]GACACTGGTATTCGCCAGCATCTGCAGCTACAAACTTGAGGATCTGCAGGCTAACCAGAT-3'
Protein context (NP_001254479.2, residues 5700-5720): VAADAGEYQC[Arg5710Gln]VTNEVGSSIC

ClinVar aggregate classification (germline): Conflicting classifications of pathogenicity. Review status: criteria provided, conflicting classifications (1 of 4 stars). 7 submissions from 7 submitters: Uncertain significance (6); Likely benign (1). Last evaluated 2025-10-21.

Conditions:
TTN-related disorder. Also called: TTN-related condition; TTN-related disease; TTN-related disorders.
Autosomal recessive limb-girdle muscular dystrophy type 2J (LGMDR10). Also called: Limb-girdle muscular dystrophy, type 2J; MUSCULAR DYSTROPHY, LIMB-GIRDLE, AUTOSOMAL RECESSIVE 10. Identifiers: Orphanet 140922, MedGen C1837342, MONDO:0012127, OMIM 608807.
Dilated cardiomyopathy 1G (CMD1G). Identifiers: Orphanet 154, MedGen C1858763, MONDO:0011400, OMIM 604145.
Hypertrophic cardiomyopathy 9. Also called: Familial hypertrophic cardiomyopathy 9. Identifiers: MedGen C1861065, MONDO:0013412, OMIM 613765.
Myopathy, myofibrillar, 9, with early respiratory failure (MFM9). Also called: Hereditary myopathy with early respiratory failure; MYOPATHY, PROXIMAL, WITH EARLY RESPIRATORY MUSCLE INVOLVEMENT; EDSTROM MYOPATHY; Myopathy, distal, with early respiratory failure, autosomal dominant. Identifiers: Orphanet 178464, Orphanet 34521, MedGen C1863599, MONDO:0011362, OMIM 603689.
Tibial muscular dystrophy (TMD). Also called: Udd Distal Myopathy – Tibial Muscular Dystrophy; UDD MYOPATHY; Tibial muscular dystrophy, tardive. Identifiers: Orphanet 609, MedGen C1838244, MONDO:0010870, OMIM 600334.
Early-onset myopathy with fatal cardiomyopathy (CMYO5). Also called: Salih Myopathy; CONGENITAL MYOPATHY 5 WITH CARDIOMYOPATHY. Identifiers: Orphanet 289377, MedGen C2673677, MONDO:0012714, OMIM 611705. Disease mechanism: loss of function.

Allele frequency attached by ClinVar (database versions not stated): 1000 Genomes Project below 0.00001; gnomAD exomes 0.00006; ExAC 0.00011; TOPMed 0.00019; gnomAD 0.00020 and 0.00022; ESP Exome Variant Server 0.00033.
gnomAD v4.1: 89 of 1,613,520 alleles (0.0055%); highest among the groups gnomAD compares: African/African-American, 0.037%; no homozygotes.

Submissions (7):

PreventionGenetics, part of Exact Sciences
Classification: Uncertain significance for TTN-related condition. Last evaluated: 2025-10-21. Review status: criteria provided, single submitter. Criteria: ACMG Guidelines, 2015. Collection method: clinical testing. Allele origin: germline.
Comment: The TTN c.17129G>A variant is predicted to result in the amino acid substitution p.Arg5710Gln. To our knowledge, this variant has not been reported in the literature. This variant is reported in 0.037% of alleles in individuals of African descent in gnomAD. At this time, the clinical significance of this variant is uncertain due to the absence of conclusive functional and genetic evidence.

Blueprint Genetics
Classification: Likely benign. Last evaluated: 2024-06-05. Review status: criteria provided, single submitter. Criteria: ACMG Guidelines, 2015. Collection method: clinical testing. Allele origin: germline.

Fulgent Genetics
Classification: Uncertain significance for Tibial muscular dystrophy; Myopathy, myofibrillar, 9, with early respiratory failure; Dilated cardiomyopathy 1G; Autosomal recessive limb-girdle muscular dystrophy type 2J; Early-onset myopathy with fatal cardiomyopathy; Hypertrophic cardiomyopathy 9. Last evaluated: 2024-05-15. Review status: criteria provided, single submitter. Criteria: ACMG Guidelines, 2015. Collection method: clinical testing. Allele origin: germline.

Revvity Omics, Revvity
Classification: Uncertain significance. Last evaluated: 2019-12-10. Review status: criteria provided, single submitter. Criteria: ACMG Guidelines, 2015. Collection method: clinical testing. Allele origin: germline.

GeneDx
Classification: Uncertain significance. Last evaluated: 2019-11-20. Review status: criteria provided, single submitter. Criteria: GeneDx Variant Classification Process June 2021. Collection method: clinical testing. Allele origin: germline. Affected: yes.
Comment: Has not been previously published as pathogenic or benign to our knowledge; In silico analysis, which includes splice predictors and evolutionary conservation, suggests this variant may impact gene splicing. In the absence of RNA/functional studies, the actual effect of this sequence change is unknown

Eurofins Ntd Llc (ga)
Classification: Uncertain significance. Last evaluated: 2017-08-17. Review status: criteria provided, single submitter. Criteria: EGL Classification Definitions 2015. Collection method: clinical testing. Allele origin: germline. Observed: 1 variant allele, 1 heterozygote.

Labcorp Genetics (formerly Invitae), Labcorp
Classification: Uncertain significance for Dilated cardiomyopathy 1G; Autosomal recessive limb-girdle muscular dystrophy type 2J. Last evaluated: 2017-01-18. Review status: criteria provided, single submitter. Criteria: Invitae Variant Classification Sherloc (09022015). Collection method: clinical testing. Allele origin: germline.